The following is an entry in ClinVar:

NM_000051.4(ATM):c.6502_6508del (p.Ser2168fs)

Genes: ATM (ATM serine/threonine kinase; plus strand), C11orf65 (chromosome 11 open reading frame 65; minus strand). Cytogenetic location: 11q22.3.
Variant type: Deletion.
Coding change: c.6502_6508del on transcript NM_000051.4 (MANE Select); coding-DNA positions 6502 to 6508, 7 bases deleted (TCGCTCT; older notation c.6502_6508delTCGCTCT).
Protein change: p.Ser2168fs; shifts the reading frame from serine 2168.
Molecular consequence: frameshift variant. On other transcripts: intron variant (2).
Genome position (GRCh38, 1-based): chr11:108,321,350-108,321,356, TCGCTCT deleted; deleting any 7 consecutive bases within chr11:108,321,349-108,321,356 gives the same sequence; the c. name uses the placement nearest the transcript's 3' end. VCF-style (leftmost placement, unchanged base first): chr11-108321348-ATTCGCTC-A. GRCh37 (hg19) VCF-style: chr11-108192075-ATTCGCTC-A.
Other names: c.6502_6508del, p.Ser2168fs (NM_001351834.2); c.641-12284_641-12278del (NM_001330368.2); c.*39-12284_*39-12278del (NM_001351110.2); short protein forms S2168fs.
Identifiers: ClinVar variation 2756584 (VCV002756584.3), dbSNP rs2547162512, ClinGen allele CA2697558931.
Genomic context (GRCh38, chr11:108,321,348, plus strand): 5'-TTTTTGCTACTAGAGTAAAAGAAGTGGAAGAGATGTGTAAGCGCAGCCTTGAGTCTGTGT[ATTCGCTC>A]TATCCCACACTTAGCAGGTTGCAGGCCATTGGAGAGCTGGAAAGCATTGGGGAGCTTTTC-3'

ClinVar aggregate classification (germline): Pathogenic (1 of 4 stars; one submission).

Conditions:
Ataxia-telangiectasia syndrome (AT). Also called: LOUIS-BAR SYNDROME; Cerebello-oculocutaneous telangiectasia; Immunodeficiency with ataxia telangiectasia; Ataxia telangiectasia (A-T); Ataxia-telangiectasia, complementation group D; AT, COMPLEMENTATION GROUP C. Identifiers: Orphanet 100, MedGen C0004135, MONDO:0008840, OMIM 208900.

Submission:

Labcorp Genetics (formerly Invitae), Labcorp
Classification: Pathogenic for Ataxia-telangiectasia syndrome. Last evaluated: 2023-06-02. Review status: criteria provided, single submitter. Criteria: Invitae Variant Classification Sherloc (09022015). Collection method: clinical testing. Allele origin: germline.
Comment: This variant has not been reported in the literature in individuals affected with ATM-related conditions. This variant is not present in population databases (gnomAD no frequency). This sequence change creates a premature translational stop signal (p.Ser2168Ilefs*65) in the ATM gene. It is expected to result in an absent or disrupted protein product. Loss-of-function variants in ATM are known to be pathogenic (PMID: 23807571, 25614872). For these reasons, this variant has been classified as Pathogenic.

Literature cited by the submitters: PubMed 23807571; PubMed 25614872.